The following is an entry in ClinVar:

ClinVar aggregate classification (germline): Uncertain significance. Review status: criteria provided, multiple submitters, no conflicts (2 of 4 stars). 2 submissions from 2 submitters: Uncertain significance (2). Last evaluated 2025-01-08.

Allele frequency attached by ClinVar (database versions not stated): gnomAD exomes below 0.00001; TOPMed 0.00001.
gnomAD v4.1: 8 of 1,614,130 alleles (0.0005%); highest among the groups gnomAD compares: East Asian, 0.0089%; no homozygotes.

Submissions (2):

Ambry Genetics
Classification: Uncertain significance. Last evaluated: 2025-01-08. Review status: criteria provided, single submitter. Criteria: Ambry Variant Classification Scheme 2023. Collection method: clinical testing. Allele origin: germline.

Labcorp Genetics (formerly Invitae), Labcorp
Classification: Uncertain significance. Last evaluated: 2022-12-04. Review status: criteria provided, single submitter. Criteria: Invitae Variant Classification Sherloc (09022015). Collection method: clinical testing. Allele origin: germline.
Comment: This variant is present in population databases (rs573737052, gnomAD 0.006%). This variant has not been reported in the literature in individuals affected with TBC1D7-related conditions. Algorithms developed to predict the effect of missense changes on protein structure and function (SIFT, PolyPhen-2, Align-GVGD) all suggest that this variant is likely to be tolerated. In summary, the available evidence is currently insufficient to determine the role of this variant in disease. Therefore, it has been classified as a Variant of Uncertain Significance. This sequence change replaces proline, which is neutral and non-polar, with leucine, which is neutral and non-polar, at codon 120 of the TBC1D7 protein (p.Pro120Leu).

NM_016495.6(TBC1D7):c.359C>T (p.Pro120Leu)

Genes: TBC1D7 (TBC1 domain family member 7; minus strand), TBC1D7-LOC100130357 (TBC1D7-LOC100130357 readthrough; minus strand). Cytogenetic location: 6p24.1.
Variant type: single nucleotide variant.
Coding change: c.359C>T on transcript NM_016495.6 (MANE Select); coding-DNA position 359, C replaced by T.
Protein change: p.Pro120Leu; replaces proline 120 with leucine.
Molecular consequence: missense variant. On other transcripts: non-coding transcript variant (1).
Genome position (GRCh38, 1-based): chr6:13,320,930, G>A on the plus strand (C>T on the coding strand, the complement: TBC1D7 is on the minus strand). VCF-style: chr6-13320930-G-A. GRCh37 (hg19) VCF-style: chr6-13321162-G-A.
Other names: c.359C>T, p.Pro120Leu (NM_001318809.2, NM_001143964.4, NM_001143965.4 and 2 more transcripts); c.278C>T, p.Pro93Leu (NM_001143966.4, NM_001318806.2); c.359C>T (NM_016495.4); short protein forms P93L, P120L.
Identifiers: ClinVar variation 2992380 (VCV002992380.4), dbSNP rs573737052, ClinGen allele CA3639807.